The following is an entry in ClinVar:

ClinVar aggregate classification (germline): Benign/Likely benign. Review status: criteria provided, multiple submitters, no conflicts (2 of 4 stars). 3 submissions from 3 submitters: Benign (1); Likely benign (2). Last evaluated 2026-01-12.

Conditions:
Hereditary cancer-predisposing syndrome. Also called: Tumor predisposition; Hereditary Cancer Syndrome; Neoplastic Syndromes, Hereditary; Hereditary neoplastic syndrome. Identifiers: Orphanet 140162, MedGen C0027672, MeSH D009386, MONDO:0015356.
Tuberous sclerosis 1 (TSC1). Identifiers: Orphanet 805, MedGen C1854465, MONDO:0008612, OMIM 191100.

Allele frequency attached by ClinVar (database versions not stated): gnomAD exomes 0.00001 and 0.00002; ExAC 0.00003.
gnomAD v4.1: 16 of 1,613,732 alleles (0.00099%); highest among the groups gnomAD compares: South Asian, 0.018%; no homozygotes.

Submissions (3):

Labcorp Genetics (formerly Invitae), Labcorp
Classification: Benign for Tuberous sclerosis 1. Last evaluated: 2026-01-12. Review status: criteria provided, single submitter. Criteria: Invitae Variant Classification Sherloc (09022015). Collection method: clinical testing. Allele origin: germline.

Myriad Genetics, Inc.
Classification: Likely benign for Tuberous sclerosis 1. Last evaluated: 2025-04-07. Review status: criteria provided, single submitter. Criteria: Myriad Autosomal Dominant, Autosomal Recessive and X-Linked Classification Criteria (2023). Collection method: clinical testing. Allele origin: unknown.
Comment: This variant is considered likely benign. This variant is intronic and is not expected to impact mRNA splicing. This variant has been observed at a population frequency that is significantly greater than expected given the associated disease prevalence and penetrance.

Ambry Genetics
Classification: Likely benign for Hereditary cancer-predisposing syndrome. Last evaluated: 2023-03-07. Review status: criteria provided, single submitter. Criteria: Ambry Variant Classification Scheme 2023. Collection method: clinical testing. Allele origin: germline.

NM_000368.5(TSC1):c.210+5T>C

Gene: TSC1 (TSC complex subunit 1; minus strand). Cytogenetic location: 9q34.13.
Variant type: single nucleotide variant.
Coding change: c.210+5T>C on transcript NM_000368.5 (MANE Select); 5 bases into the intron after coding-DNA position 210, T replaced by C.
Molecular consequence: intron variant.
Genome position (GRCh38, 1-based): chr9:132,927,196, A>G on the plus strand (T>C on the coding strand, the complement: TSC1 is on the minus strand). VCF-style: chr9-132927196-A-G. GRCh37 (hg19) VCF-style: chr9-135802583-A-G.
Other names: c.-153-1457T>C (NM_001362177.2); c.210+5T>C (NM_001162427.2, NM_001162426.2).
Identifiers: ClinVar variation 752772 (VCV000752772.13), dbSNP rs753035149, ClinGen allele CA031363.
Genomic context (GRCh38, chr9:132,927,196, plus strand): 5'-CCGTGCACAGAAGCTGTTGTACTCATGAAGAACATATGAAATGCCTATGATATTTCAGCC[A>G]TTACCTTGTCATGTGGCTCTTGCAAGGTGGTCAGGATGTGCAATGCCGGCTGAGAGCTGG-3'